The following is an entry in ClinVar:

NM_138694.4(PKHD1):c.7446T>A (p.Cys2482Ter)

Gene: PKHD1 (PKHD1 ciliary IPT domain containing fibrocystin/polyductin; minus strand). Cytogenetic location: 6p12.2.
Variant type: single nucleotide variant.
Coding change: c.7446T>A on transcript NM_138694.4 (MANE Select); coding-DNA position 7446, T replaced by A.
Protein change: p.Cys2482Ter; replaces cysteine 2482 with a stop codon.
Molecular consequence: nonsense.
Genome position (GRCh38, 1-based): chr6:51,870,544, A>T on the plus strand (T>A on the coding strand, the complement: PKHD1 is on the minus strand). VCF-style: chr6-51870544-A-T. GRCh37 (hg19) VCF-style: chr6-51735342-A-T.
Other names: c.7446T>A, p.Cys2482Ter (NM_170724.3); short protein forms C2482*.
Identifiers: ClinVar variation 5013893 (VCV005013893.1).

ClinVar aggregate classification (germline): Pathogenic (1 of 4 stars; one submission).

Conditions:
Polycystic kidney disease 4 (PKD4). Also called: POLYCYSTIC KIDNEY AND HEPATIC DISEASE 1; POLYCYSTIC KIDNEY DISEASE, INFANTILE, TYPE I; POLYCYSTIC KIDNEY DISEASE 4 WITH OR WITHOUT POLYCYSTIC LIVER DISEASE; PKD3; Autosomal Recessive Polycystic Kidney Disease – PKHD1. Identifiers: MedGen C4540575, MONDO:0033004, OMIM 263200.

Submission:

Myriad Genetics, Inc.
Classification: Pathogenic for Polycystic kidney disease 4. Last evaluated: 2024-12-26. Review status: criteria provided, single submitter. Criteria: Myriad Autosomal Dominant, Autosomal Recessive and X-Linked Classification Criteria (2023). Collection method: clinical testing. Allele origin: unknown.
Comment: NM_138694.3(PKHD1):c.7446T>A(C2482*) is expected to be pathogenic in the context of autosomal recessive polycystic kidney disease, PKHD1-related. This variant is predicted to lead to an abnormal or absent protein product due to the creation of a premature termination codon in PKHD1, a gene where loss-of-function variants are known to be pathogenic. Please note: this variant was assessed in the context of healthy population screening.